The following is an entry in ClinVar:

ClinVar aggregate classification (germline): Benign/Likely benign. Review status: criteria provided, multiple submitters, no conflicts (2 of 4 stars). 8 submissions from 8 submitters: Benign (4); Likely benign (2). 2 of the submissions do not count toward it. Last evaluated 2026-02-04.

Conditions:
FANCA-related disorder. Also called: FANCA-related condition.
Fanconi anemia (FA). Also called: Fanconi's anemia. Identifiers: Orphanet 84, MedGen C0015625, MeSH D005199, MONDO:0019391.
Fanconi anemia complementation group A (FANCA). Also called: FANCA-Related Fanconi Anemia; Fanconi anemia, group A. Identifiers: Orphanet 84, MedGen C3469521, MONDO:0009215, OMIM 227650.

Allele frequency attached by ClinVar (database versions not stated): ExAC 0.00529; 1000 Genomes Project 30x 0.00906; 1000 Genomes Project 0.00919; gnomAD 0.00947 and 0.01028; TOPMed 0.01092; ESP Exome Variant Server 0.01197.
gnomAD v4.1: 2,772 of 1,551,066 alleles (0.18%); highest among the groups gnomAD compares: African/African-American, 3.4%; 46 homozygotes.

Submissions (8):

Labcorp Genetics (formerly Invitae), Labcorp
Classification: Benign for Fanconi anemia. Last evaluated: 2026-02-04. Review status: criteria provided, single submitter. Criteria: Invitae Variant Classification Sherloc (09022015). Collection method: clinical testing. Allele origin: germline.

Mayo Clinic Laboratories, Mayo Clinic
Classification: Benign. Last evaluated: 2025-07-23. Review status: criteria provided, single submitter. Criteria: ACMG Guidelines, 2015. Collection method: clinical testing. Allele origin: germline. Observed: 11 variant alleles.
Comment: BA1, BP4, BP7

Quest Diagnostics Nichols Institute San Juan Capistrano
Classification: Benign. Last evaluated: 2025-07-15. Review status: criteria provided, single submitter. Criteria: Quest Diagnostics criteria. Collection method: clinical testing. Allele origin: unknown.

GeneDx
Classification: Likely benign. Last evaluated: 2021-06-02. Review status: criteria provided, single submitter. Criteria: GeneDx Variant Classification Process June 2021. Collection method: clinical testing. Allele origin: germline. Affected: yes.

Illumina Laboratory Services, Illumina
Classification: Benign for Fanconi anemia complementation group A. Last evaluated: 2018-01-13. Review status: criteria provided, single submitter. Criteria: ICSL Variant Classification Criteria 13 December 2019. Collection method: clinical testing. Allele origin: germline.
Comment: This variant was observed in the ICSL laboratory as part of a predisposition screen in an ostensibly healthy population. It had not been previously curated by ICSL or reported in the Human Gene Mutation Database (HGMD: prior to June 1st, 2018), and was therefore a candidate for classification through an automated scoring system. Utilizing variant allele frequency, disease prevalence and penetrance estimates, and inheritance mode, an automated score was calculated to assess if this variant is too frequent to cause the disease. Based on the score and internal cut-off values, a variant classified as benign is not then subjected to further curation. The score for this variant resulted in a classification of benign for this disease.

Breakthrough Genomics
Classification: Likely benign. Review status: criteria provided, single submitter. Criteria: ACMG Guidelines, 2015. Collection method: not provided. Allele origin: germline. Inheritance: Autosomal recessive inheritance. Affected: yes.

Natera, Inc.
Classification: Benign for Fanconi anemia, group A. Last evaluated: 2020-09-16. Review status: no assertion criteria provided. Collection method: clinical testing. Allele origin: germline. Not counted in ClinVar's aggregate classification.

PreventionGenetics, part of Exact Sciences
Classification: Benign for FANCA-related condition. Last evaluated: 2019-07-01. Review status: no assertion criteria provided. Collection method: clinical testing. Allele origin: germline. Not counted in ClinVar's aggregate classification.
Comment: This variant is classified as benign based on ACMG/AMP sequence variant interpretation guidelines (Richards et al. 2015 PMID: 25741868, with internal and published modifications).

NM_000135.4(FANCA):c.3935-9G>A

Genes: ZNF276 (zinc finger protein 276; plus strand), FANCA (FA complementation group A; minus strand). Cytogenetic location: 16q24.3.
Variant type: single nucleotide variant.
Coding change: c.3935-9G>A on transcript NM_000135.4 (MANE Select); 9 bases into the intron before coding-DNA position 3935, G replaced by A.
Molecular consequence: intron variant. On other transcripts: 3 prime UTR variant (2), non-coding transcript variant (4).
Genome position (GRCh38, 1-based): chr16:89,739,562, C>T on the plus strand (G>A on the coding strand, the complement: FANCA is on the minus strand). VCF-style: chr16-89739562-C-T. GRCh37 (hg19) VCF-style: chr16-89805970-C-T.
Other names: p.?; c.3935-9G>A (NM_000135.3, NM_001286167.3); c.*1316C>T (NM_001113525.2, NM_152287.4).
Identifiers: ClinVar variation 237053 (VCV000237053.27), dbSNP rs9282680, ClinGen allele CA8250857.